The following is an entry in ClinVar:

ClinVar aggregate classification (germline): Pathogenic. Review status: no assertion criteria provided (0 of 4 stars). 2 submissions from 2 submitters: Pathogenic (1). 1 of the submissions does not count toward it. Last evaluated 2006-02-17.

Conditions:
Familial long QT syndrome (RWS). Also called: Romano-Ward syndrome; VENTRICULAR FIBRILLATION WITH PROLONGED QT INTERVAL; Congenital long QT syndrome. Identifiers: Orphanet 768, MedGen C1141890, MONDO:0019171.
Long QT syndrome 2 (LQT2). Identifiers: Orphanet 101016, Orphanet 768, MedGen C3150943, MONDO:0013367, OMIM 613688.

Submissions (2):

OMIM
Classification: Pathogenic for LONG QT SYNDROME 2. Last evaluated: 2006-02-17. Review status: no assertion criteria provided. Collection method: literature only. Allele origin: germline.

Cardiovascular Biomedical Research Unit, Royal Brompton & Harefield NHS Foundation Trust
No classification provided. Condition: Familial long QT syndrome. Review status: no classification provided. Collection method: literature only. Allele origin: germline. Not counted in ClinVar's aggregate classification.
Comment: This variant has been reported as associated with Long QT syndrome in the following publications (PMID:7889573;PMID:16432067). This is a literature report, and does not necessarily reflect the clinical interpretation of the Imperial College / Royal Brompton Cardiovascular Genetics laboratory.

Literature cited by the submitters: PubMed 7889573 (cited by OMIM and Cardiovascular Biomedical Research Unit, Royal Brompton & Harefield NHS Foundation Trust); PubMed 16361248 (cited by OMIM); PubMed 16432067 (cited by Cardiovascular Biomedical Research Unit, Royal Brompton & Harefield NHS Foundation Trust); PubMed 22581653 (cited by Cardiovascular Biomedical Research Unit, Royal Brompton & Harefield NHS Foundation Trust).

NM_000238.4(KCNH2):c.1408A>G (p.Asn470Asp)

Gene: KCNH2 (potassium voltage-gated channel subfamily H member 2; minus strand). Cytogenetic location: 7q36.1.
Variant type: single nucleotide variant.
Coding change: c.1408A>G on transcript NM_000238.4 (MANE Select); coding-DNA position 1408, A replaced by G.
Protein change: p.Asn470Asp; replaces asparagine 470 with aspartic acid.
Molecular consequence: missense variant.
Genome position (GRCh38, 1-based): chr7:150,952,574, T>C on the plus strand (A>G on the coding strand, the complement: KCNH2 is on the minus strand). VCF-style: chr7-150952574-T-C. GRCh37 (hg19) VCF-style: chr7-150649662-T-C.
Other names: c.388A>G, p.Asn130Asp (NM_001204798.2, NM_172057.3); c.1120A>G, p.Asn374Asp (NM_001406753.1, NM_001406756.1); c.1231A>G, p.Asn411Asp (NM_001406755.1); c.1108A>G, p.Asn370Asp (NM_001406757.1); c.1408A>G, p.Asn470Asp (NM_172056.3); c.1408A>G (LRG_288t1); short protein forms N470D, N130D, N374D, N370D, N411D.
Identifiers: ClinVar variation 14421 (VCV000014421.3), dbSNP rs121912505, ClinGen allele CA004572.